The following is an entry in ClinVar:

ClinVar aggregate classification (germline): Pathogenic (1 of 4 stars; one submission).

Conditions:
Dyskeratosis congenita, autosomal recessive 6 (DKCB6). Identifiers: MedGen C4225356, MONDO:0014600, OMIM 616353.
Pulmonary fibrosis and/or bone marrow failure, Telomere-related, 4. Also called: PULMONARY FIBROSIS AND/OR BONE MARROW FAILURE SYNDROME, TELOMERE-RELATED, 4. Identifiers: Orphanet 2032, MedGen C4225347, MONDO:0014612, OMIM 616371.

Submission:

Labcorp Genetics (formerly Invitae), Labcorp
Classification: Pathogenic for Dyskeratosis congenita, autosomal recessive 6; Pulmonary fibrosis and/or bone marrow failure, Telomere-related, 4. Last evaluated: 2023-08-07. Review status: criteria provided, single submitter. Criteria: Invitae Variant Classification Sherloc (09022015). Collection method: clinical testing. Allele origin: unknown.
Comment: This variant is a gross deletion of the genomic region encompassing exon(s) 7 of the PARN gene. This deletion is out-of-frame, and is expected to create a premature termination codon and result in an absent or disrupted protein product. Loss-of-function variants in PARN are known to be pathogenic (PMID: 9736620, 25848748, 26810774). This variant has not been reported in the literature in individuals affected with PARN-related conditions. For these reasons, this variant has been classified as Pathogenic.

Literature cited by the submitters: PubMed 9736620; PubMed 25848748; PubMed 26810774.

NC_000016.9:g.(?_14704491)_(14704676_?)del

Gene: PARN (poly(A)-specific ribonuclease; minus strand). Cytogenetic location: 16p13.12.
Variant type: Deletion.
Identifiers: ClinVar variation 3243539 (VCV003243539.1).